The following is an entry in ClinVar:

NM_000540.3(RYR1):c.7902C>A (p.Asn2634Lys)

Gene: RYR1 (ryanodine receptor 1; plus strand). Cytogenetic location: 19q13.2.
Variant type: single nucleotide variant.
Coding change: c.7902C>A on transcript NM_000540.3 (MANE Select); coding-DNA position 7902, C replaced by A.
Protein change: p.Asn2634Lys; replaces asparagine 2634 with lysine.
Molecular consequence: missense variant.
Genome position (GRCh38, 1-based): chr19:38,502,946, C>A. VCF-style: chr19-38502946-C-A. GRCh37 (hg19) VCF-style: chr19-38993586-C-A.
Other names: c.7902C>A, p.Asn2634Lys (NM_001042723.2); short protein forms N2634K.
Identifiers: ClinVar variation 224390 (VCV000224390.24), dbSNP rs148041292, ClinGen allele CA071016.

ClinVar aggregate classification (germline): Conflicting classifications of pathogenicity. Review status: criteria provided, conflicting classifications (1 of 4 stars). 13 submissions from 13 submitters: Uncertain significance (9); Likely benign (1). 3 of the submissions do not count toward it. Last evaluated 2026-06-10.

Conditions:
RYR1-related disorder. Also called: RYR1-related condition; RYR1-related disorders. Identifiers: MedGen CN239331.
Congenital multicore myopathy with external ophthalmoplegia (CMYO1B). Also called: MULTIMINICORE DISEASE WITH EXTERNAL OPHTHALMOPLEGIA; Minicore myopathy with external ophthalmoplegia; MULTICORE MYOPATHY; Congenital myopathy 1B, autosomal recessive; Minicore myopathy. Identifiers: Orphanet 598, Orphanet 98905, MedGen C1850674, MONDO:0009712, OMIM 255320, HP:0003789.
Central core myopathy (CMYO1A). Also called: CONGENITAL MYOPATHY 1A, AUTOSOMAL DOMINANT, WITH SUSCEPTIBILITY TO MALIGNANT HYPERTHERMIA; Central core disease; Myopathy, central fibrillar. Identifiers: Orphanet 597, MedGen C5830701, MONDO:0007294, OMIM 117000.
Congenital myopathy with fiber type disproportion. Also called: Congenital fiber-type disproportion myopathy; Congenital fiber-type disproportion. Identifiers: Orphanet 2020, MedGen C0546264, MONDO:0009711. Inheritance: all.
Malignant hyperthermia, susceptibility to, 1 (MHS1). Also called: RYR1-Related Malignant Hyperthermia Susceptibility; Anesthesia related hyperthermia; Malignant hyperpyrexia; Fulminating hyperpyrexia; Pharmacogenic myopathy; Malignant hyperthermia suceptibility 1. Identifiers: Orphanet 423, MedGen C2930980, MONDO:0007783, OMIM 145600.
Arrhythmogenic right ventricular cardiomyopathy (ARVD). Also called: Cardiomyopathy, ARVC; Arrhythmogenic cardiomyopathy; Arrhythmogenic Right Ventricular Cardiomyopathy (ARVC); Arrhythmogenic right ventricular dysplasia. Identifiers: Orphanet 247, MedGen C0349788, MeSH D019571, MONDO:0016587. Disease mechanism: loss of function. Inheritance: Various modes of inheritance.

Allele frequency attached by ClinVar (database versions not stated): ESP Exome Variant Server 0.00008; ExAC 0.00010; gnomAD exomes 0.00011 and 0.00014; gnomAD 0.00014 and 0.00015; TOPMed 0.00029.
gnomAD v4.1: 184 of 1,610,608 alleles (0.011%); highest among the groups gnomAD compares: Admixed American, 0.015%; no homozygotes.

Submissions (13):

Women's Health and Genetics/Laboratory Corporation of America, LabCorp
Classification: Uncertain significance. Last evaluated: 2026-06-10. Review status: criteria provided, single submitter. Criteria: LabCorp Variant Classification Summary - May 2015. Collection method: clinical testing. Allele origin: germline.
Comment: Variant summary: RYR1 c.7902C>A (p.Asn2634Lys) results in a non-conservative amino acid change in the encoded protein sequence. Algorithms developed to predict the effect of missense changes on protein structure and function all suggest that this variant is likely to be disruptive. The variant allele was found at a frequency of 0.00014 in 248868 control chromosomes, predominantly at a frequency of 0.00024 within the Non-Finnish European subpopulation in the gnomAD database. This frequency is not significantly higher than the estimate for disease-causing variants in RYR1, so no conclusion can be drawn about variant significance. c.7902C>A has been observed in individual(s) affected with clinical features of autosomal dominant malignant hyperthermia susceptibility (White_2022, Rossi_2026) without strong evidence for causality. These report(s) do not provide unequivocal conclusions about the association of the variant with disease. At least one publication reports experimental evidence evaluating an impact on protein function; however, it does not allow convincing conclusions about the variant effect (White_2022). The following publications have been ascertained in the context of this evaluation (PMID: 41418732, 36208971). ClinVar contains an entry for this variant (Variation ID: 224390). Based on the evidence outlined above, the variant was classified as uncertain significance.

Labcorp Genetics (formerly Invitae), Labcorp
Classification: Likely benign for RYR1-related disorder. Last evaluated: 2025-12-27. Review status: criteria provided, single submitter. Criteria: Invitae Variant Classification Sherloc (09022015). Collection method: clinical testing. Allele origin: germline.

GeneDx
Classification: Uncertain significance. Last evaluated: 2025-08-12. Review status: criteria provided, single submitter. Criteria: GeneDx Variant Classification Process June 2021. Collection method: clinical testing. Allele origin: germline. Affected: yes.
Comment: Published functional studies suggest this variant leads to hypersensitivity of the RYR1 channel (PMID: 36208971); In silico analysis supports that this missense variant has a deleterious effect on protein structure/function; In silico analysis is inconclusive as to whether the variant alters gene splicing. In the absence of RNA/functional studies, the actual effect of this sequence change is unknown.; This variant is associated with the following publications: (PMID: 36208971)

Blueprint Genetics
Classification: Uncertain significance. Last evaluated: 2024-11-01. Review status: criteria provided, single submitter. Criteria: ACMG Guidelines, 2015. Collection method: clinical testing. Allele origin: germline.

All of Us Research Program, National Institutes of Health
Classification: Uncertain significance for Malignant hyperthermia, susceptibility to, 1. Last evaluated: 2024-08-06. Review status: criteria provided, single submitter. Criteria: ACMG Guidelines, 2015. Collection method: clinical testing. Allele origin: germline. Inheritance: Autosomal dominant inheritance. Observed: 49 variant alleles, 49 heterozygotes.
Comment: This missense variant replaces asparagine with lysine at codon 2634 of the RYR1 protein. Computational prediction suggests that this variant may not impact protein structure and function (internally defined REVEL score threshold <= 0.5, PMID: 27666373). A functional study has shown this variant increases sensitivity to RYR1-agonist 4-CmC when expressed in HEK293T cells compared to cells expressing wild-type RYR1 (PMID: 36208971). This variant has been reported in a family affected with malignant hyperthermia susceptibility (PMID: 36208971). This variant has been identified in 38/280230 chromosomes in the general population by the Genome Aggregation Database (gnomAD). The available evidence is insufficient to determine the role of this variant in disease conclusively. Therefore, this variant is classified as a Variant of Uncertain Significance.

This study involves interpretation of variants in research participants for the purpose of population health screening. Participant phenotype was not available at the time of variant classification. Additional details can be found in publication PMID: 35346344, PMCID: PMC8962531

Color Diagnostics, LLC DBA Color Health
Classification: Uncertain significance for Malignant hyperthermia, susceptibility to, 1. Last evaluated: 2024-05-30. Review status: criteria provided, single submitter. Criteria: ACMG Guidelines, 2015. Collection method: clinical testing. Allele origin: germline.
Comment: This missense variant replaces asparagine with lysine at codon 2634 of the RYR1 protein. Computational prediction suggests that this variant may not impact protein structure and function. A functional study has shown this variant increases sensitivity to RYR1-agonist 4-CmC when expressed in HEK293T cells compared to cells expressing wild-type RYR1 (PMID: 36208971). This variant has been reported in a family affected with malignant hyperthermia susceptibility (PMID: 36208971). This variant has been identified in 38/280230 chromosomes in the general population by the Genome Aggregation Database (gnomAD). The available evidence is insufficient to determine the role of this variant in disease conclusively. Therefore, this variant is classified as a Variant of Uncertain Significance.

Revvity Omics, Revvity
Classification: Uncertain significance. Last evaluated: 2023-10-04. Review status: criteria provided, single submitter. Criteria: ACMG Guidelines, 2015. Collection method: clinical testing. Allele origin: germline.

Cambridge Genomics Laboratory, East Genomic Laboratory Hub, NHS Genomic Medicine Service
Classification: Uncertain significance for Arrhythmogenic right ventricular cardiomyopathy. Last evaluated: 2019-10-31. Review status: criteria provided, single submitter. Criteria: ACGS Best Practice Guidelines for Variant Classification in Rare Disease 2020. Collection method: clinical testing. Allele origin: germline. Affected: yes. Observed: 1 variant allele.

Fulgent Genetics
Classification: Uncertain significance for Central core myopathy; Malignant hyperthermia, susceptibility to, 1; Congenital myopathy 4A, autosomal dominant; Congenital multicore myopathy with external ophthalmoplegia. Last evaluated: 2018-10-31. Review status: criteria provided, single submitter. Criteria: ACMG Guidelines, 2015. Collection method: clinical testing. Allele origin: unknown.

Biesecker Lab/Clinical Genomics Section, National Institutes of Health
Classification: Uncertain significance for Malignant hyperthermia, susceptibility to, 1. Last evaluated: 2013-07-01. Review status: criteria provided, single submitter. Criteria: Gonsalves et al. 2013. Collection method: research. Allele origin: unknown. Observed: 1 variant allele. Study: ClinSeq.
Comment: The study set was not selected for affection status in relation to any myopathy. Pathogenicity categories were based on literature curation. See Pubmed ID: 24195946 for details.

PreventionGenetics, part of Exact Sciences
Classification: Uncertain significance for RYR1-related condition. Last evaluated: 2024-06-28. Review status: no assertion criteria provided. Collection method: clinical testing. Allele origin: germline. Not counted in ClinVar's aggregate classification.
Comment: The RYR1 c.7902C>A variant is predicted to result in the amino acid substitution p.Asn2634Lys. To our knowledge, this variant has not been reported in the literature. This variant is reported in 0.023% of alleles in individuals of European (Non-Finnish) descent in gnomAD. At this time, the clinical significance of this variant is uncertain due to the absence of conclusive functional and genetic evidence.

Clinical Molecular Genetics Laboratory, Johns Hopkins All Children's Hospital
Classification: Uncertain significance. Last evaluated: 2017-06-20. Review status: no assertion criteria provided. Collection method: clinical testing. Allele origin: germline. Not counted in ClinVar's aggregate classification.

Department of Pathology and Laboratory Medicine, Sinai Health System
Classification: Uncertain significance. Review status: no assertion criteria provided. Collection method: clinical testing. Allele origin: unknown. Affected: yes. Study: The Canadian Open Genetics Repository (COGR). Not counted in ClinVar's aggregate classification.
Comment: The RYR1 p.Asn2634Lys variant was not identified in the Cosmic or MutDB databases. The variant was identified in dbSNP (ID: rs148041292) Clinvitae, LOVD 3.0 and ClinVar (reported as a VUS by the Clinical Molecular Genetics Laboratory at John's Hopkins All Children's Hospital and by the ClinSeq Biesecker Lab at NIH for susceptibility to malignant hyperthermia). The variant was identified in control databases in 38 of 280230 chromosomes at a frequency of 0.000136 (Genome Aggregation Database Feb 27, 2017). The variant was observed in the following populations: European (non-Finnish) in 30 of 129078 chromosomes (freq: 0.000232), Latino in 7 of 35436 chromosomes (freq: 0.000198) and other in 1 of 7206 chromosomes (freq: 0.000139); it was not observed in the African, Ashkenazi Jewish, East Asian, European (Finnish), and South Asian populations. The RYR1 p.Asn2634Lys variant was found in an unaffected individual in a study analyzing 870 control participants for variants in genes related to malignant hyperthermia susceptibility (Gonsalves_2014_PMID: 24195946). The p.Asn2634 residue is not highly conserved in mammals and computational analyses (PolyPhen-2, SIFT, AlignGVGD, BLOSUM, MutationTaster) provide inconsistent predictions regarding the impact to the protein; this information is not very predictive of pathogenicity. In summary, based on the above information the clinical significance of this variant cannot be determined with certainty at this time. This variant is classified as a variant of uncertain significance.

Literature cited by the submitters: PubMed 36208971 (cited by 3 submitters); PubMed 41418732 (cited by Women's Health and Genetics/Laboratory Corporation of America, LabCorp).